The following is an entry in ClinVar:

ClinVar aggregate classification (germline): Uncertain significance. Review status: criteria provided, multiple submitters, no conflicts (2 of 4 stars). 2 submissions from 2 submitters: Uncertain significance (2). Last evaluated 2025-12-26.

Conditions:
Norman-Roberts syndrome (LIS2). Also called: Lissencephaly 2 (Norman-Roberts type). Identifiers: Orphanet 89844, MedGen C0796089, MONDO:0009760, OMIM 257320.
Familial temporal lobe epilepsy 7. Identifiers: Orphanet 101046, MedGen C4225327, MONDO:0014639, OMIM 616436.

Allele frequency attached by ClinVar (database versions not stated): ExAC 0.00003; gnomAD exomes 0.00004; gnomAD 0.00006; TOPMed 0.00008; 1000 Genomes Project 0.00020; 1000 Genomes Project 30x 0.00031.
gnomAD v4.1: 41 of 1,614,228 alleles (0.0025%); highest among the groups gnomAD compares: Admixed American, 0.01%; no homozygotes.

Submissions (2):

Labcorp Genetics (formerly Invitae), Labcorp
Classification: Uncertain significance for Familial temporal lobe epilepsy 7; Norman-Roberts syndrome. Last evaluated: 2025-12-26. Review status: criteria provided, single submitter. Criteria: Invitae Variant Classification Sherloc (09022015). Collection method: clinical testing. Allele origin: germline.
Comment: This sequence change replaces valine, which is neutral and non-polar, with methionine, which is neutral and non-polar, at codon 2346 of the RELN protein (p.Val2346Met). This variant is present in population databases (rs201788015, gnomAD 0.02%). This variant has not been reported in the literature in individuals affected with RELN-related conditions. ClinVar contains an entry for this variant (Variation ID: 651208). Invitae Evidence Modeling of protein sequence and biophysical properties (such as structural, functional, and spatial information, amino acid conservation, physicochemical variation, residue mobility, and thermodynamic stability) indicates that this missense variant is not expected to disrupt RELN protein function with a negative predictive value of 80%. In summary, the available evidence is currently insufficient to determine the role of this variant in disease. Therefore, it has been classified as a Variant of Uncertain Significance.

GeneDx
Classification: Uncertain significance. Last evaluated: 2019-07-08. Review status: criteria provided, single submitter. Criteria: GeneDx Variant Classification Process June 2021. Collection method: clinical testing. Allele origin: germline. Affected: yes.
Comment: In silico analysis, which includes protein predictors and evolutionary conservation, supports that this variant does not alter protein structure/function

NM_005045.4(RELN):c.7036G>A (p.Val2346Met)

Gene: RELN (reelin; minus strand). Cytogenetic location: 7q22.1.
Variant type: single nucleotide variant.
Coding change: c.7036G>A on transcript NM_005045.4 (MANE Select); coding-DNA position 7036, G replaced by A.
Protein change: p.Val2346Met; replaces valine 2346 with methionine.
Molecular consequence: missense variant.
Genome position (GRCh38, 1-based): chr7:103,539,222, C>T on the plus strand (G>A on the coding strand, the complement: RELN is on the minus strand). VCF-style: chr7-103539222-C-T. GRCh37 (hg19) VCF-style: chr7-103179669-C-T.
Other names: c.7036G>A, p.Val2346Met (NM_173054.3); short protein forms V2346M.
Identifiers: ClinVar variation 651208 (VCV000651208.7), dbSNP rs201788015, ClinGen allele CA4420819.